The following is an entry in ClinVar:

ClinVar aggregate classification (germline): Uncertain significance (1 of 4 stars; one submission).

Submission:

Labcorp Genetics (formerly Invitae), Labcorp
Classification: Uncertain significance. Last evaluated: 2023-05-05. Review status: criteria provided, single submitter. Criteria: Invitae Variant Classification Sherloc (09022015). Collection method: clinical testing. Allele origin: germline.
Comment: In summary, the available evidence is currently insufficient to determine the role of this variant in disease. Therefore, it has been classified as a Variant of Uncertain Significance. An algorithm developed to predict the effect of missense changes on protein structure and function (PolyPhen-2) suggests that this variant is likely to be disruptive. This variant has not been reported in the literature in individuals affected with ALPK3-related conditions. This variant is not present in population databases (gnomAD no frequency). This sequence change replaces alanine, which is neutral and non-polar, with proline, which is neutral and non-polar, at codon 1804 of the ALPK3 protein (p.Ala1804Pro).

NM_020778.5(ALPK3):c.4804G>C (p.Ala1602Pro)

Gene: ALPK3 (alpha kinase 3; plus strand). Cytogenetic location: 15q25.3.
Variant type: single nucleotide variant.
Coding change: c.4804G>C on transcript NM_020778.5 (MANE Select); coding-DNA position 4804, G replaced by C.
Protein change: p.Ala1602Pro; replaces alanine 1602 with proline.
Molecular consequence: missense variant.
Genome position (GRCh38, 1-based): chr15:84,868,142, G>C. VCF-style: chr15-84868142-G-C. GRCh37 (hg19) VCF-style: chr15-85411373-G-C.
Other names: short protein forms A1602P.
Identifiers: ClinVar variation 2861985 (VCV002861985.3), dbSNP rs2505733226, ClinGen allele CA393365592.